The following is an entry in ClinVar:

ClinVar aggregate classification (germline): Benign. Review status: criteria provided, multiple submitters, no conflicts (2 of 4 stars). 4 submissions from 3 submitters: Benign (3). 1 of the submissions does not count toward it. Last evaluated 2026-02-03.

Conditions:
Cardioencephalomyopathy, fatal infantile, due to cytochrome c oxidase deficiency 4 (MC4DN13). Also called: MITOCHONDRIAL COMPLEX IV DEFICIENCY, NUCLEAR TYPE 13. Identifiers: Orphanet 1561, MedGen C4225304, MONDO:0014668, OMIM 616501.

Submissions (4):

Labcorp Genetics (formerly Invitae), Labcorp
Classification: Benign. Last evaluated: 2026-02-03. Review status: criteria provided, single submitter. Criteria: Invitae Variant Classification Sherloc (09022015). Collection method: clinical testing. Allele origin: germline.

Genome-Nilou Lab
Classification: Benign for Cardioencephalomyopathy, fatal infantile, due to cytochrome c oxidase deficiency 4. Last evaluated: 2021-07-22. Review status: criteria provided, single submitter. Criteria: ACMG Guidelines, 2015. Collection method: clinical testing. Allele origin: germline. Affected: no.

GeneDx
Classification: Benign. Last evaluated: 2016-01-20. Review status: criteria provided, single submitter. Criteria: GeneDx Variant Classification Process June 2021. Collection method: clinical testing. Allele origin: germline. Affected: yes.

GeneDx
Classification: Benign. Last evaluated: 2018-05-30. Review status: flagged submission. Criteria: GeneDx Variant Classification Process June 2021. Collection method: clinical testing. Allele origin: germline. Affected: yes. Not counted in ClinVar's aggregate classification.
ClinVar note: Reason: This record appears to be redundant with a more recent record from the same submitter.
ClinVar note: Notes: SCV000567020 appears to be redundant with SCV001944277.

NM_001206641.3(COA6):c.373-8dup

Gene: COA6 (cytochrome c oxidase assembly factor 6; plus strand). Cytogenetic location: 1q42.2.
Variant type: Duplication.
Coding change: c.373-8dup on transcript NM_001206641.3 (MANE Select); 8 bases into the intron before coding-DNA position 373, one base duplicated (T; older notation c.373-8dupT).
Molecular consequence: intron variant.
Genome position (GRCh38, 1-based): chr1:234,383,715, T duplicated; the last of 9 consecutive T bases (chr1:234,383,707-234,383,715); duplicating any one gives the same sequence. VCF-style (leftmost placement, unchanged base first): chr1-234383706-C-CT. GRCh37 (hg19) VCF-style: chr1-234519452-C-CT.
Other names: c.283-8dup (NM_001012985.2); c.145-8dup (NM_001301733.1).
Identifiers: ClinVar variation 419305 (VCV000419305.53), dbSNP rs58896934, ClinGen allele CA1460082.